The following is an entry in ClinVar:

ClinVar aggregate classification (germline): Uncertain significance. Review status: criteria provided, multiple submitters, no conflicts (2 of 4 stars). 5 submissions from 5 submitters: Uncertain significance (4). 1 of the submissions does not count toward it. Last evaluated 2024-01-12.

Conditions:
Wilson disease (WND). Also called: Wilson's disease. Identifiers: Orphanet 905, MedGen C0019202, MONDO:0010200, OMIM 277900. Disease mechanism: loss of function.

Allele frequency attached by ClinVar (database versions not stated): TOPMed 0.00001.
gnomAD v4.1: 3 of 1,614,050 alleles (0.00019%); highest among the groups gnomAD compares: Admixed American, 0.0033%; no homozygotes.

Submissions (5):

Women's Health and Genetics/Laboratory Corporation of America, LabCorp
Classification: Uncertain significance. Last evaluated: 2024-01-12. Review status: criteria provided, single submitter. Criteria: LabCorp Variant Classification Summary - May 2015. Collection method: clinical testing. Allele origin: germline.
Comment: Variant summary: ATP7B c.2480G>T (p.Arg827Leu) results in a non-conservative amino acid change in the encoded protein sequence. Five of five in-silico tools predict a damaging effect of the variant on protein function. The variant allele was found at a frequency of 4e-06 in 249562 control chromosomes. c.2480G>T has been reported in the literature in at least two individuals affected with Wilson Disease in the compond heterozygous state (Ferenci_2014, Ferenci_2019). These data indicate that the variant may be associated with disease. To our knowledge, no experimental evidence demonstrating an impact on protein function has been reported. ClinVar contains an entry for this variant (Variation ID: 551685). Based on the evidence outlined above, the variant was classified as VUS-possibly pathogenic.

All of Us Research Program, National Institutes of Health
Classification: Uncertain significance for Wilson disease. Last evaluated: 2023-12-13. Review status: criteria provided, single submitter. Criteria: ACMG Guidelines, 2015. Collection method: clinical testing. Allele origin: germline. Inheritance: Autosomal recessive inheritance. Observed: 1 variant allele, 1 heterozygote.
Comment: This missense variant replaces arginine with leucine at codon 827 of the ATP7B protein. Computational prediction suggests that this variant may have deleterious impact on protein structure and function (internally defined REVEL score threshold >= 0.7, PMID: 27666373). This variant alters a conserved arginine residue in the ATP nucleotide-binding of the ATP7B protein (a.a. 786 - 917), a highly conserved region that is considered to be important for ATP7B protein function (PMID: 35245129; ClinVar). To our knowledge, functional studies have not been reported for this variant. This variant has been observed in an individual affected with autosomal recessive Wilson disease, who carried a second pathogenic variant in the same gene (PMID: 24517292). This variant has been identified in 1/249562 chromosomes in the general population by the Genome Aggregation Database (gnomAD). Although there is a suspicion that this variant may be associated with disease, the available evidence is insufficient to determine the role of this variant in disease conclusively. Therefore, this variant is classified as a Variant of Uncertain Significance.

This study involves interpretation of variants in research participants for the purpose of population health screening. Participant phenotype was not available at the time of variant classification. Additional details can be found in publication PMID: 35346344, PMCID: PMC8962531

Genome-Nilou Lab
Classification: Uncertain significance for Wilson disease. Last evaluated: 2021-09-05. Review status: criteria provided, single submitter. Criteria: ACMG Guidelines, 2015. Collection method: clinical testing. Allele origin: germline. Affected: no.

Fulgent Genetics
Classification: Uncertain significance for Wilson disease. Last evaluated: 2018-10-31. Review status: criteria provided, single submitter. Criteria: ACMG Guidelines, 2015. Collection method: clinical testing. Allele origin: unknown.

Counsyl
Classification: Uncertain significance for Wilson disease. Last evaluated: 2017-05-01. Review status: no assertion criteria provided. Collection method: clinical testing. Allele origin: unknown. Not counted in ClinVar's aggregate classification.

Literature cited by the submitters: PubMed 24517292 (cited by 3 submitters); PubMed 30232804 (cited by Women's Health and Genetics/Laboratory Corporation of America, LabCorp); PubMed 35245129 (cited by All of Us Research Program, National Institutes of Health).

NM_000053.4(ATP7B):c.2480G>T (p.Arg827Leu)

Gene: ATP7B (ATPase copper transporting beta; minus strand). Cytogenetic location: 13q14.3.
Variant type: single nucleotide variant.
Coding change: c.2480G>T on transcript NM_000053.4 (MANE Select); coding-DNA position 2480, G replaced by T.
Protein change: p.Arg827Leu; replaces arginine 827 with leucine.
Molecular consequence: missense variant.
Genome position (GRCh38, 1-based): chr13:51,950,367, C>A on the plus strand (G>T on the coding strand, the complement: ATP7B is on the minus strand). VCF-style: chr13-51950367-C-A. GRCh37 (hg19) VCF-style: chr13-52524503-C-A.
Other names: c.1994G>T, p.Arg665Leu (NM_001005918.3); c.2147G>T, p.Arg716Leu (NM_001243182.2); c.2246G>T, p.Arg749Leu (NM_001330578.2); c.2228G>T, p.Arg743Leu (NM_001330579.2); short protein forms R827L, R716L, R743L, R665L, R749L.
Identifiers: ClinVar variation 551685 (VCV000551685.7), dbSNP rs368589213, ClinGen allele CA388016742.
Genomic context (GRCh38, chr13:51,950,367, plus strand): 5'-TCCAGGACTTTCCCATCCACTGGAAACTTTCCCCCAGGGACCACCTTGACGATATCGCCC[C>A]GCTGCACCAGCTCCATGGGGACTTGCTCCTCCCTGCAACAAACGCCACTTATCACTCACA-3'
Protein context (NP_000044.2, residues 817-837): EEQVPMELVQ[Arg827Leu]GDIVKVVPGG